The following is an entry in ClinVar:

ClinVar aggregate classification (germline): Uncertain significance (1 of 4 stars; one submission).

Conditions:
Neurofibromatosis, type 1 (NF1). Also called: VON RECKLINGHAUSEN DISEASE; Neurofibromatosis, type I; NEUROFIBROMATOSIS, TYPE I, SOMATIC; Peripheral type neurofibromatosis. Identifiers: Orphanet 636, MedGen C0027831, MONDO:0018975, OMIM 162200. Disease mechanism: loss of function.

Allele frequency attached by ClinVar (database versions not stated): gnomAD exomes below 0.00001.
gnomAD v4.1: 1 of 1,613,908 alleles (0.000062%); highest among the groups gnomAD compares: Non-Finnish European, 0.000085%; no homozygotes.

Submission:

Labcorp Genetics (formerly Invitae), Labcorp
Classification: Uncertain significance for Neurofibromatosis, type 1. Last evaluated: 2020-08-18. Review status: criteria provided, single submitter. Criteria: Invitae Variant Classification Sherloc (09022015). Collection method: clinical testing. Allele origin: germline.
Comment: In summary, the available evidence is currently insufficient to determine the role of this variant in disease. Therefore, it has been classified as a Variant of Uncertain Significance. Advanced modeling of protein sequence and biophysical properties (such as structural, functional, and spatial information, amino acid conservation, physicochemical variation, residue mobility, and thermodynamic stability) performed at Invitae indicates that this missense variant is not expected to disrupt NF1 protein function. This variant has not been reported in the literature in individuals with NF1-related conditions. This variant is not present in population databases (ExAC no frequency). This sequence change replaces threonine with alanine at codon 940 of the NF1 protein (p.Thr940Ala). The threonine residue is moderately conserved and there is a small physicochemical difference between threonine and alanine.

NM_001042492.3(NF1):c.2818A>G (p.Thr940Ala)

Gene: NF1 (neurofibromin 1; plus strand). Cytogenetic location: 17q11.2.
Variant type: single nucleotide variant.
Coding change: c.2818A>G on transcript NM_001042492.3 (MANE Select); coding-DNA position 2818, A replaced by G.
Protein change: p.Thr940Ala; replaces threonine 940 with alanine.
Molecular consequence: missense variant.
Genome position (GRCh38, 1-based): chr17:31,229,433, A>G. VCF-style: chr17-31229433-A-G. GRCh37 (hg19) VCF-style: chr17-29556451-A-G.
Other names: c.2818A>G, p.Thr940Ala (NM_000267.4); short protein forms T940A.
Identifiers: ClinVar variation 1014272 (VCV001014272.5), dbSNP rs1443857560, ClinGen allele CA398985781.